The following is an entry in ClinVar:

ClinVar aggregate classification (germline): Likely benign. Review status: criteria provided, single submitter (1 of 4 stars). 2 submissions from 2 submitters: Likely benign (1). 1 of the submissions does not count toward it. Last evaluated 2022-12-01.

Conditions:
SETD1B-related disorder. Also called: SETD1B-related condition.

Allele frequency attached by ClinVar (database versions not stated): TOPMed 0.00003; gnomAD 0.00005.

Submissions (2):

CeGaT Center for Human Genetics Tuebingen
Classification: Likely benign. Last evaluated: 2022-12-01. Review status: criteria provided, single submitter. Criteria: CeGaT Center For Human Genetics Tuebingen Variant Classification Criteria Version 2. Collection method: clinical testing. Allele origin: germline. Affected: yes. Observed: 1 variant allele.
Comment: SETD1B: BP4, BP7

PreventionGenetics, part of Exact Sciences
Classification: Likely benign for SETD1B-related condition. Last evaluated: 2019-04-25. Review status: no assertion criteria provided. Collection method: clinical testing. Allele origin: germline. Not counted in ClinVar's aggregate classification.
Comment: This variant is classified as likely benign based on ACMG/AMP sequence variant interpretation guidelines (Richards et al. 2015 PMID: 25741868, with internal and published modifications).

NM_001353345.2(SETD1B):c.4977G>A (p.Ser1659=)

Gene: SETD1B (SET domain containing 1B, histone lysine methyltransferase; plus strand). Cytogenetic location: 12q24.31.
Variant type: single nucleotide variant.
Coding change: c.4977G>A on transcript NM_001353345.2 (MANE Select); coding-DNA position 4977, G replaced by A.
Protein change: p.Ser1659=; no amino-acid change (serine 1659 retained).
Molecular consequence: synonymous variant.
Genome position (GRCh38, 1-based): chr12:121,823,556, G>A. VCF-style: chr12-121823556-G-A. GRCh37 (hg19) VCF-style: chr12-122261462-G-A.
Other names: NM_015048.1:c.4848G>A.
Identifiers: ClinVar variation 2643480 (VCV002643480.25), dbSNP rs1312614521, ClinGen allele CA482435814.